The following is an entry in ClinVar:

ClinVar aggregate classification (germline): Uncertain significance (1 of 4 stars; one submission).

Allele frequency attached by ClinVar (database versions not stated): ExAC 0.00002.
gnomAD v4.1: 6 of 1,613,938 alleles (0.00037%); highest among the groups gnomAD compares: South Asian, 0.0033%; no homozygotes.

Submission:

Labcorp Genetics (formerly Invitae), Labcorp
Classification: Uncertain significance. Last evaluated: 2022-05-05. Review status: criteria provided, single submitter. Criteria: Invitae Variant Classification Sherloc (09022015). Collection method: clinical testing. Allele origin: germline.
Comment: Advanced modeling of protein sequence and biophysical properties (such as structural, functional, and spatial information, amino acid conservation, physicochemical variation, residue mobility, and thermodynamic stability) performed at Invitae indicates that this missense variant is not expected to disrupt COQ8A protein function. This sequence change replaces glutamic acid, which is acidic and polar, with lysine, which is basic and polar, at codon 585 of the COQ8A protein (p.Glu585Lys). This variant is present in population databases (rs758986425, gnomAD 0.006%). This variant has not been reported in the literature in individuals affected with COQ8A-related conditions. In summary, the available evidence is currently insufficient to determine the role of this variant in disease. Therefore, it has been classified as a Variant of Uncertain Significance.

NM_020247.5(COQ8A):c.1753G>A (p.Glu585Lys)

Gene: COQ8A (coenzyme Q8A; plus strand). Cytogenetic location: 1q42.13.
Variant type: single nucleotide variant.
Coding change: c.1753G>A on transcript NM_020247.5 (MANE Select); coding-DNA position 1753, G replaced by A.
Protein change: p.Glu585Lys; replaces glutamic acid 585 with lysine.
Molecular consequence: missense variant.
Genome position (GRCh38, 1-based): chr1:226,986,546, G>A. VCF-style: chr1-226986546-G-A. GRCh37 (hg19) VCF-style: chr1-227174247-G-A.
Other names: short protein forms E585K.
Identifiers: ClinVar variation 1488246 (VCV001488246.8), dbSNP rs758986425, ClinGen allele CA1425652.